The following is an entry in ClinVar:

NM_000368.5(TSC1):c.2586T>A (p.Tyr862Ter)

Gene: TSC1 (TSC complex subunit 1; minus strand). Cytogenetic location: 9q34.13.
Variant type: single nucleotide variant.
Coding change: c.2586T>A on transcript NM_000368.5 (MANE Select); coding-DNA position 2586, T replaced by A.
Protein change: p.Tyr862Ter; replaces tyrosine 862 with a stop codon.
Molecular consequence: nonsense. On other transcripts: non-coding transcript variant (5).
Genome position (GRCh38, 1-based): chr9:132,900,754, A>T on the plus strand (T>A on the coding strand, the complement: TSC1 is on the minus strand). VCF-style: chr9-132900754-A-T. GRCh37 (hg19) VCF-style: chr9-135776141-A-T.
Other names: c.2586T>A, p.Tyr862Ter (NM_001406596.1, NM_001406592.1, NM_001406593.1 and 2 more transcripts); c.2583T>A, p.Tyr861Ter (NM_001406597.1, NM_001406598.1, NM_001406599.1 and 2 more transcripts); c.2571T>A, p.Tyr857Ter (NM_001406601.1, NM_001406602.1); c.2568T>A, p.Tyr856Ter (NM_001406603.1, NM_001406604.1); c.2433T>A, p.Tyr811Ter (NM_001162427.2, NM_001406610.1); c.2223T>A, p.Tyr741Ter (NM_001362177.2, NM_001406615.1, NM_001406616.1 and 4 more transcripts); c.2220T>A, p.Tyr740Ter (NM_001406620.1, NM_001406621.1, NM_001406622.1 and 1 more transcripts); c.2544T>A, p.Tyr848Ter (NM_001406605.1, NM_001406606.1, NM_001406607.1); and 8 more; short protein forms Y847*, Y857*, Y861*, Y511*, Y545*, Y741*, Y796*, Y856*.
Identifiers: ClinVar variation 3653189 (VCV003653189.2).
Genomic context (GRCh38, chr9:132,900,754, plus strand): 5'-GGCTCCCGAGCCCTGGCATACCTTTGTGGTATCTGAGTGCTTGTTCTGCAGTTGTTCCAA[A>T]TAGAGCTCGTTGACCTCCCCAAGAACCAACAGCTGCCTGTTCAAGAACTCCATCTGCTGC-3'

ClinVar aggregate classification (germline): Pathogenic (1 of 4 stars; one submission).

Conditions:
Tuberous sclerosis 1 (TSC1). Identifiers: Orphanet 805, MedGen C1854465, MONDO:0008612, OMIM 191100.

Submission:

Labcorp Genetics (formerly Invitae), Labcorp
Classification: Pathogenic for Tuberous sclerosis 1. Last evaluated: 2024-05-13. Review status: criteria provided, single submitter. Criteria: Invitae Variant Classification Sherloc (09022015). Collection method: clinical testing. Allele origin: germline.
Comment: This sequence change creates a premature translational stop signal (p.Tyr862*) in the TSC1 gene. It is expected to result in an absent or disrupted protein product. Loss-of-function variants in TSC1 are known to be pathogenic (PMID: 10227394, 17304050). This variant is not present in population databases (gnomAD no frequency). This variant has not been reported in the literature in individuals affected with TSC1-related conditions. For these reasons, this variant has been classified as Pathogenic.

Literature cited by the submitters: PubMed 10227394; PubMed 17304050.